The following is an entry in ClinVar:

NM_015450.3(POT1):c.1325A>T (p.Asn442Ile)

Gene: POT1 (protection of telomeres 1; minus strand). Cytogenetic location: 7q31.33.
Variant type: single nucleotide variant.
Coding change: c.1325A>T on transcript NM_015450.3 (MANE Select); coding-DNA position 1325, A replaced by T.
Protein change: p.Asn442Ile; replaces asparagine 442 with isoleucine.
Molecular consequence: missense variant. On other transcripts: non-coding transcript variant (3).
Genome position (GRCh38, 1-based): chr7:124,841,017, T>A on the plus strand (A>T on the coding strand, the complement: POT1 is on the minus strand). VCF-style: chr7-124841017-T-A. GRCh37 (hg19) VCF-style: chr7-124481071-T-A.
Other names: c.1325A>T (NM_015450.2); c.932A>T, p.Asn311Ile (NM_001042594.2); short protein forms N311I, N442I.
Identifiers: ClinVar variation 1353150 (VCV001353150.9), dbSNP rs1195670739, ClinGen allele CA369066833.

ClinVar aggregate classification (germline): Uncertain significance. Review status: criteria provided, multiple submitters, no conflicts (2 of 4 stars). 2 submissions from 2 submitters: Uncertain significance (2). Last evaluated 2026-04-12.

Conditions:
Tumor predisposition syndrome 3 (TPDS3). Also called: Melanoma, cutaneous malignant, susceptibility to, 10; LONG TELOMERE SYNDROME, POT1-RELATED; POT1 Tumor Predisposition; Glioma susceptibility 9. Identifiers: Orphanet 618, MedGen C4014476, MONDO:0014368, OMIM 615848.
Hereditary cancer-predisposing syndrome. Also called: Neoplastic Syndromes, Hereditary; Tumor predisposition; Hereditary Cancer Syndrome; Hereditary neoplastic syndrome. Identifiers: Orphanet 140162, MedGen C0027672, MeSH D009386, MONDO:0015356.

Submissions (2):

Ambry Genetics
Classification: Uncertain significance for Hereditary cancer-predisposing syndrome. Last evaluated: 2026-04-12. Review status: criteria provided, single submitter. Criteria: Ambry Variant Classification Scheme 2023. Collection method: clinical testing. Allele origin: germline.
Comment: The p.N442I variant (also known as c.1325A>T), located in coding exon 10 of the POT1 gene, results from an A to T substitution at nucleotide position 1325. The asparagine at codon 442 is replaced by isoleucine, an amino acid with dissimilar properties. This amino acid position is conserved. In addition, this alteration is predicted to be tolerated by in silico analysis. Based on the available evidence, the clinical significance of this variant remains unclear.

Labcorp Genetics (formerly Invitae), Labcorp
Classification: Uncertain significance for Tumor predisposition syndrome 3. Last evaluated: 2020-12-04. Review status: criteria provided, single submitter. Criteria: Invitae Variant Classification Sherloc (09022015). Collection method: clinical testing. Allele origin: germline.
Comment: In summary, the available evidence is currently insufficient to determine the role of this variant in disease. Therefore, it has been classified as a Variant of Uncertain Significance. Algorithms developed to predict the effect of missense changes on protein structure and function are either unavailable or do not agree on the potential impact of this missense change (SIFT: "Deleterious"; PolyPhen-2: "Benign"; Align-GVGD: "Class C0"). This variant has not been reported in the literature in individuals with POT1-related conditions. This variant is not present in population databases (ExAC no frequency). This sequence change replaces asparagine with isoleucine at codon 442 of the POT1 protein (p.Asn442Ile). The asparagine residue is moderately conserved and there is a large physicochemical difference between asparagine and isoleucine.